The following is an entry in ClinVar:

NM_004304.5(ALK):c.881C>T (p.Pro294Leu)

Gene: ALK (ALK receptor tyrosine kinase; minus strand). Cytogenetic location: 2p23.2.
Variant type: single nucleotide variant.
Coding change: c.881C>T on transcript NM_004304.5 (MANE Select); coding-DNA position 881, C replaced by T.
Protein change: p.Pro294Leu; replaces proline 294 with leucine.
Molecular consequence: missense variant.
Genome position (GRCh38, 1-based): chr2:29,694,921, G>A on the plus strand (C>T on the coding strand, the complement: ALK is on the minus strand). VCF-style: chr2-29694921-G-A. GRCh37 (hg19) VCF-style: chr2-29917787-G-A.
Other names: c.881C>T (NM_004304.4); short protein forms P294L.
Identifiers: ClinVar variation 1053663 (VCV001053663.10), dbSNP rs1678508737, ClinGen allele CA346586947.
Genomic context (GRCh38, chr2:29,694,921, plus strand): 5'-TCCTTAGAACGCTCTGCCCCAGGCCCATCCAGCAAGTCCATCTGGGAGGCCTCCTCGGAG[G>A]GGATGCGGCGCCAGGACCAGCTCTGGTTCCTGAGGTCATGCAGTGGAGGGGAATACTCCA-3'
Protein context (NP_004295.2, residues 284-304): RNQSWSWRRI[Pro294Leu]SEEASQMDLL

ClinVar aggregate classification (germline): Conflicting classifications of pathogenicity. Review status: criteria provided, conflicting classifications (1 of 4 stars). 2 submissions from 2 submitters: Uncertain significance (1); Likely benign (1). Last evaluated 2025-08-19.

Conditions:
Hereditary cancer-predisposing syndrome. Also called: Hereditary Cancer Syndrome; Tumor predisposition; Hereditary neoplastic syndrome; Neoplastic Syndromes, Hereditary. Identifiers: Orphanet 140162, MedGen C0027672, MeSH D009386, MONDO:0015356.
Neuroblastoma, susceptibility to, 3. Also called: ALK-Related Neuroblastic Tumor Susceptibility. Identifiers: Orphanet 635, MedGen C2751681, MONDO:0013083, OMIM 613014.

Submissions (2):

Ambry Genetics
Classification: Likely benign for Hereditary cancer-predisposing syndrome. Last evaluated: 2025-08-19. Review status: criteria provided, single submitter. Criteria: Ambry Variant Classification Scheme 2023. Collection method: clinical testing. Allele origin: germline.

Labcorp Genetics (formerly Invitae), Labcorp
Classification: Uncertain significance for Neuroblastoma, susceptibility to, 3. Last evaluated: 2021-07-15. Review status: criteria provided, single submitter. Criteria: Invitae Variant Classification Sherloc (09022015). Collection method: clinical testing. Allele origin: germline.
Comment: This variant has not been reported in the literature in individuals with ALK-related conditions. This variant is not present in population databases (ExAC no frequency). This sequence change replaces proline with leucine at codon 294 of the ALK protein (p.Pro294Leu). The proline residue is weakly conserved and there is a moderate physicochemical difference between proline and leucine. Algorithms developed to predict the effect of missense changes on protein structure and function are either unavailable or do not agree on the potential impact of this missense change (SIFT: "Deleterious"; PolyPhen-2: "Benign"; Align-GVGD: "Class C0"). In summary, the available evidence is currently insufficient to determine the role of this variant in disease. Therefore, it has been classified as a Variant of Uncertain Significance.